The following is an entry in ClinVar:

ClinVar aggregate classification (germline): Uncertain significance. Review status: criteria provided, multiple submitters, no conflicts (2 of 4 stars). 3 submissions from 3 submitters: Uncertain significance (3). Last evaluated 2025-04-01.

Conditions:
Von Hippel-Lindau syndrome (VHLS). Also called: Von Hippel-Lindau; von Hippel–Lindau syndrome; VHL syndrome. Identifiers: Orphanet 892, MedGen C0019562, MONDO:0008667, OMIM 193300. Disease mechanism: loss of function.
Chuvash polycythemia. Also called: POLYCYTHEMIA, VHL-DEPENDENT. Identifiers: Orphanet 238557, MedGen C1837915, MONDO:0009892, OMIM 263400.
Hereditary cancer-predisposing syndrome. Also called: Tumor predisposition; Neoplastic Syndromes, Hereditary; Hereditary Cancer Syndrome; Hereditary neoplastic syndrome. Identifiers: Orphanet 140162, MedGen C0027672, MeSH D009386, MONDO:0015356.

Submissions (3):

Labcorp Genetics (formerly Invitae), Labcorp
Classification: Uncertain significance for Von Hippel-Lindau syndrome; Chuvash polycythemia. Last evaluated: 2025-04-01. Review status: criteria provided, single submitter. Criteria: Invitae Variant Classification Sherloc (09022015). Collection method: clinical testing. Allele origin: germline.
Comment: This sequence change replaces glycine, which is neutral and non-polar, with cysteine, which is neutral and slightly polar, at codon 44 of the VHL protein (p.Gly44Cys). This variant is not present in population databases (gnomAD no frequency). This variant has not been reported in the literature in individuals affected with VHL-related conditions. ClinVar contains an entry for this variant (Variation ID: 2924277). Invitae Evidence Modeling of protein sequence and biophysical properties (such as structural, functional, and spatial information, amino acid conservation, physicochemical variation, residue mobility, and thermodynamic stability) indicates that this missense variant is not expected to disrupt VHL protein function with a negative predictive value of 95%. In summary, the available evidence is currently insufficient to determine the role of this variant in disease. Therefore, it has been classified as a Variant of Uncertain Significance.

Ambry Genetics
Classification: Uncertain significance for Hereditary cancer-predisposing syndrome. Last evaluated: 2024-05-29. Review status: criteria provided, single submitter. Criteria: Ambry Variant Classification Scheme 2023. Collection method: clinical testing. Allele origin: germline.
Comment: The p.G44C variant (also known as c.130G>T), located in coding exon 1 of the VHL gene, results from a G to T substitution at nucleotide position 130. The glycine at codon 44 is replaced by cysteine, an amino acid with highly dissimilar properties. This amino acid position is poorly conserved in available vertebrate species. In addition, this alteration is predicted to be tolerated by in silico analysis. Based on the available evidence, the clinical significance of this variant remains unclear.

Baylor Genetics
Classification: Uncertain significance for Chuvash polycythemia. Last evaluated: 2024-02-19. Review status: criteria provided, single submitter. Criteria: ACMG Guidelines, 2015. Collection method: clinical testing. Allele origin: unknown.

NM_000551.4(VHL):c.130G>T (p.Gly44Cys)

Gene: VHL (von Hippel-Lindau tumor suppressor; plus strand). Cytogenetic location: 3p25.3.
Variant type: single nucleotide variant.
Coding change: c.130G>T on transcript NM_000551.4 (MANE Select); coding-DNA position 130, G replaced by T.
Protein change: p.Gly44Cys; replaces glycine 44 with cysteine.
Molecular consequence: missense variant. On other transcripts: non-coding transcript variant (1).
Genome position (GRCh38, 1-based): chr3:10,141,977, G>T. VCF-style: chr3-10141977-G-T. GRCh37 (hg19) VCF-style: chr3-10183661-G-T.
Other names: c.130G>T, p.Gly44Cys (NM_001354723.2, NM_198156.3); short protein forms G44C.
Identifiers: ClinVar variation 2924277 (VCV002924277.5), dbSNP rs1575921446, ClinGen allele CA351748054.